The following is an entry in ClinVar:

NM_030632.3(ASXL3):c.3325_3326del (p.Lys1109fs)

Gene: ASXL3 (ASXL transcriptional regulator 3; plus strand). Cytogenetic location: 18q12.1.
Variant type: Deletion.
Coding change: c.3325_3326del on transcript NM_030632.3 (MANE Select); coding-DNA positions 3325 to 3326, 2 bases deleted (AA; older notation c.3325_3326delAA).
Protein change: p.Lys1109fs; shifts the reading frame from lysine 1109.
Molecular consequence: frameshift variant.
Genome position (GRCh38, 1-based): chr18:33,743,173-33,743,174, AA deleted. VCF-style (leftmost placement, unchanged base first): chr18-33743172-TAA-T. GRCh37 (hg19) VCF-style: chr18-31323136-TAA-T.
Other names: short protein forms K1109fs.
Identifiers: ClinVar variation 424009 (VCV000424009.2), dbSNP rs1064796742, ClinGen allele CA16620685.

ClinVar aggregate classification (germline): Pathogenic (1 of 4 stars; one submission).

Submission:

GeneDx
Classification: Pathogenic. Last evaluated: 2017-03-06. Review status: criteria provided, single submitter. Criteria: GeneDx Variant Classification (06012015). Collection method: clinical testing. Allele origin: germline. Affected: yes.
Comment: The c.3325_3326delAA variant in the ASXL3 gene has not been reported previously as a pathogenic variant nor as a benign variant, to our knowledge. The c.3325_3326delAA variant causes a frameshift starting with codon Lysine 1109, changes this amino acid to an Alanine residue, and creates a premature Stop codon at position 16 of the new reading frame, denoted p.Lys1109AlafsX16. This variant is predicted to cause loss of normal protein function through protein truncation. The c.3325_3326delAA variant is not observed in large population cohorts (Lek et al., 2016; 1000 Genomes Consortium et al., 2015; Exome Variant Server). We interpret c.3325_3326delAA as a pathogenic variant.